The following is an entry in ClinVar:

ClinVar aggregate classification (germline): Uncertain significance (1 of 4 stars; one submission).

Conditions:
Familial adenomatous polyposis 1 (FAP1). Also called: FAMILIAL ADENOMATOUS POLYPOSIS 1, ATTENUATED; POLYPOSIS, ADENOMATOUS INTESTINAL. Identifiers: MedGen C2713442, MONDO:0021056, OMIM 175100. Disease mechanism: loss of function.

Allele frequency attached by ClinVar (database versions not stated): gnomAD exomes below 0.00001.

Submission:

Labcorp Genetics (formerly Invitae), Labcorp
Classification: Uncertain significance for Familial adenomatous polyposis 1. Last evaluated: 2025-06-09. Review status: criteria provided, single submitter. Criteria: Invitae Variant Classification Sherloc (09022015). Collection method: clinical testing. Allele origin: germline.
Comment: This variant occurs in a non-coding region of the APC gene. It does not change the encoded amino acid sequence of the APC protein. This variant is not present in population databases (gnomAD no frequency). This variant has not been reported in the literature in individuals affected with APC-related conditions. Experimental studies and prediction algorithms are not available or were not evaluated, and the functional significance of this variant is currently unknown. In summary, the available evidence is currently insufficient to determine the role of this variant in disease. Therefore, it has been classified as a Variant of Uncertain Significance.

NC_000005.10:g.112707421G>A

Gene: APC (APC regulator of Wnt signaling pathway; plus strand). Cytogenetic location: 5q22.2.
Variant type: single nucleotide variant.
Genome position: GRCh38 VCF-style: chr5-112707421-G-A. GRCh37 (hg19) VCF-style: chr5-112043118-G-A.
Identifiers: ClinVar variation 2148163 (VCV002148163.3), dbSNP rs2149628623, ClinGen allele CA2580072236.